The following is an entry in ClinVar:

ClinVar aggregate classification (germline): Likely pathogenic (1 of 4 stars; one submission).

Conditions:
Neurodegeneration with brain iron accumulation (NBIA). Identifiers: Orphanet 385, MedGen C2931845, MONDO:0018307.

gnomAD v4.1: 1 of 1,614,060 alleles (0.000062%); highest among the groups gnomAD compares: Non-Finnish European, 0.000085%; no homozygotes.

Submission:

Women's Health and Genetics/Laboratory Corporation of America, LabCorp
Classification: Likely pathogenic for Neurodegeneration with brain iron accumulation. Last evaluated: 2025-12-19. Review status: criteria provided, single submitter. Criteria: LabCorp Variant Classification Summary - May 2015. Collection method: clinical testing. Allele origin: germline.
Comment: Variant summary: CP c.1501+1G>A is located in a canonical splice-site and is predicted to affect mRNA splicing resulting in a significantly altered protein due to either exon skipping, shortening, or inclusion of intronic material. Variants that disrupt the consensus splice site are a relatively common cause of aberrant splicing and loss of CP function. Several computational tools predict a significant impact on normal splicing: Four predict the variant abolishes a 5' splicing donor site. However, these predictions have yet to be confirmed by functional studies. The variant was absent in 251462 control chromosomes. To our knowledge, no occurrence of c.1501+1G>A in individuals affected with CP-related conditions and no experimental evidence demonstrating its impact on protein function have been reported. No submitters have cited clinical-significance assessments for this variant to ClinVar. Based on the evidence outlined above, the variant was classified as likely pathogenic.

NM_000096.4(CP):c.1501+1G>A

Gene: CP (ceruloplasmin; minus strand). Cytogenetic location: 3q24.
Variant type: single nucleotide variant.
Coding change: c.1501+1G>A on transcript NM_000096.4 (MANE Select); the canonical splice donor site of the intron after coding-DNA position 1501, G replaced by A.
Molecular consequence: splice donor variant.
Genome position (GRCh38, 1-based): chr3:149,199,711, C>T on the plus strand (G>A on the coding strand, the complement: CP is on the minus strand). VCF-style: chr3-149199711-C-T. GRCh37 (hg19) VCF-style: chr3-148917498-C-T.
Identifiers: ClinVar variation 4688199 (VCV004688199.1).